The following is an entry in ClinVar:

ClinVar aggregate classification (germline): Uncertain significance (1 of 4 stars; one submission).

Submission:

Labcorp Genetics (formerly Invitae), Labcorp
Classification: Uncertain significance. Last evaluated: 2022-09-15. Review status: criteria provided, single submitter. Criteria: Invitae Variant Classification Sherloc (09022015). Collection method: clinical testing. Allele origin: germline.
Comment: This sequence change replaces phenylalanine, which is neutral and non-polar, with cysteine, which is neutral and slightly polar, at codon 67 of the CDH23 protein (p.Phe67Cys). This variant is not present in population databases (gnomAD no frequency). This variant has not been reported in the literature in individuals affected with CDH23-related conditions. Advanced modeling of protein sequence and biophysical properties (such as structural, functional, and spatial information, amino acid conservation, physicochemical variation, residue mobility, and thermodynamic stability) performed at Invitae indicates that this missense variant is not expected to disrupt CDH23 protein function. In summary, the available evidence is currently insufficient to determine the role of this variant in disease. Therefore, it has been classified as a Variant of Uncertain Significance.

NM_022124.6(CDH23):c.200T>G (p.Phe67Cys)

Genes: CDH23 (cadherin related 23; plus strand), CDH23-AS1 (CDH23 antisense RNA 1; minus strand). Cytogenetic location: 10q22.1.
Variant type: single nucleotide variant.
Coding change: c.200T>G on transcript NM_022124.6 (MANE Select); coding-DNA position 200, T replaced by G.
Protein change: p.Phe67Cys; replaces phenylalanine 67 with cysteine.
Molecular consequence: missense variant.
Genome position (GRCh38, 1-based): chr10:71,510,136, T>G. VCF-style: chr10-71510136-T-G. GRCh37 (hg19) VCF-style: chr10-73269893-T-G.
Other names: c.200T>G, p.Phe67Cys (NM_001171930.2, NM_001171931.2, NM_001171932.2 and 1 more transcripts); short protein forms F67C.
Identifiers: ClinVar variation 2122602 (VCV002122602.1), dbSNP rs2493189709, ClinGen allele CA377114212.